The following is an entry in ClinVar:

NM_025136.4(OPA3):c.351T>C (p.Ala117=)

Genes: OPA3 (outer mitochondrial membrane lipid metabolism regulator OPA3; minus strand), OPA3-RTN2 (OPA3-RTN2 readthrough; minus strand). Cytogenetic location: 19q13.32.
Variant type: single nucleotide variant.
Coding change: c.351T>C on transcript NM_025136.4 (MANE Select); coding-DNA position 351, T replaced by C.
Protein change: p.Ala117=; no amino-acid change (alanine 117 retained).
Molecular consequence: synonymous variant. On other transcripts: intron variant (1).
Genome position (GRCh38, 1-based): chr19:45,553,703, A>G on the plus strand (T>C on the coding strand, the complement: OPA3 is on the minus strand). VCF-style: chr19-45553703-A-G. GRCh37 (hg19) VCF-style: chr19-46056961-A-G.
Other names: c.143-24247T>C (NM_001017989.3); c.351T>C (NM_025136.3).
Identifiers: ClinVar variation 1592754 (VCV001592754.10), dbSNP rs760489108, ClinGen allele CA9517414.
Genomic context (GRCh38, chr19:45,553,703, plus strand): 5'-CTGCAGCGCTTCCAGCGCCAGCGCCAGGTGGCCCACCTCGTCCCGCAGCGCGTTCCAGGC[A>G]GCACGCTGCTCCTCCTCCTTGTGGCGCTGCTGCGCCTGGTGGCGCCAGTACTCCAGCACT-3'
Protein context (NP_079412.1, residues 107-127): QQRHKEEEQR[Ala117=]AWNALRDEVG

ClinVar aggregate classification (germline): Likely benign. Review status: criteria provided, single submitter (1 of 4 stars). 2 submissions from 2 submitters: Likely benign (1). 1 of the submissions does not count toward it. Last evaluated 2026-01-20.

Conditions:
OPA3-related disorder. Also called: OPA3-related condition.
Optic atrophy 3 (OPA3). Also called: OPTIC ATROPHY 3, AUTOSOMAL DOMINANT; Optic atrophy, cataract, and neurologic disorder; Optic atrophy 3 with cataract. Identifiers: Orphanet 67036, MedGen C1833809, MONDO:0008133, OMIM 165300.
3-Methylglutaconic aciduria type 3 (MGCA3). Also called: OPA3, AUTOSOMAL RECESSIVE; OPTIC ATROPHY 3, AUTOSOMAL RECESSIVE; Costeff Syndrome; OPA3-Related 3-Methylglutaconic Aciduria. Identifiers: Orphanet 67047, MedGen C0574084, MONDO:0009787, OMIM 258501.

Allele frequency attached by ClinVar (database versions not stated): ExAC 0.00001; gnomAD 0.00002; gnomAD exomes 0.00002 and 0.00006; TOPMed 0.00002.
gnomAD v4.1: 92 of 1,608,036 alleles (0.0057%); highest among the groups gnomAD compares: Non-Finnish European, 0.0072%; no homozygotes.

Submissions (2):

Labcorp Genetics (formerly Invitae), Labcorp
Classification: Likely benign for 3-Methylglutaconic aciduria type 3; Optic atrophy 3. Last evaluated: 2026-01-20. Review status: criteria provided, single submitter. Criteria: Invitae Variant Classification Sherloc (09022015). Collection method: clinical testing. Allele origin: germline.

PreventionGenetics, part of Exact Sciences
Classification: Likely benign for OPA3-related condition. Last evaluated: 2020-08-24. Review status: no assertion criteria provided. Collection method: clinical testing. Allele origin: germline. Not counted in ClinVar's aggregate classification.
Comment: This variant is classified as likely benign based on ACMG/AMP sequence variant interpretation guidelines (Richards et al. 2015 PMID: 25741868, with internal and published modifications).